The following is an entry in ClinVar:

NM_001303052.2(MYT1L):c.3080+8283T>C

Gene: MYT1L (myelin transcription factor 1 like; minus strand). Cytogenetic location: 2p25.3.
Variant type: single nucleotide variant.
Coding change: c.3080+8283T>C on transcript NM_001303052.2 (MANE Select); 8283 bases into the intron after coding-DNA position 3080, T replaced by C.
Molecular consequence: intron variant.
Genome position (GRCh38, 1-based): chr2:1,830,866, A>G on the plus strand (T>C on the coding strand, the complement: MYT1L is on the minus strand). VCF-style: chr2-1830866-A-G. GRCh37 (hg19) VCF-style: chr2-1834638-A-G.
Other names: c.3074+8283T>C (NM_015025.4, NM_001329847.2, NM_001329848.1 and 3 more transcripts); c.3080+8283T>C (NM_001329844.2, NM_001329845.1, NM_001329851.3).
Identifiers: ClinVar variation 2672794 (VCV002672794.23), dbSNP rs1298251975, ClinGen allele CA761679530.
Genomic context (GRCh38, chr2:1,830,866, plus strand): 5'-CGCTCTGTCCTCGCCTGCTGGCTGGCTGCGGCCTCCCTCACAGGATCCTCCAAATTCCAC[A>G]GCCCCTTGGTGGCTGGTGGCCTGGAGCTGCTCCCTCTGCACCTCCCGCATGCACCTGCAT-3'

ClinVar aggregate classification (germline): Likely benign (1 of 4 stars; one submission).

Allele frequency attached by ClinVar (database versions not stated): TOPMed below 0.00001; gnomAD 0.00001.
gnomAD v4.1: 1 of 152,138 alleles (0.00066%); highest among the groups gnomAD compares: Non-Finnish European, 0.0015%; no homozygotes.

Submission:

CeGaT Center for Human Genetics Tuebingen
Classification: Likely benign. Last evaluated: 2023-11-01. Review status: criteria provided, single submitter. Criteria: CeGaT Center For Human Genetics Tuebingen Variant Classification Criteria Version 2. Collection method: clinical testing. Allele origin: germline. Affected: yes. Observed: 1 variant allele.
Comment: MYT1L: BP4, BP7